The following is an entry in ClinVar:

ClinVar aggregate classification (germline): Likely pathogenic (1 of 4 stars; one submission).

Conditions:
Charcot-Marie-Tooth disease type 4. Also called: Charcot-Marie-Tooth, Type 4; Charcot-Marie-Tooth disease, type IV. Identifiers: Orphanet 64749, MedGen C4082197, MONDO:0018995.

Submission:

Labcorp Genetics (formerly Invitae), Labcorp
Classification: Likely pathogenic for Charcot-Marie-Tooth disease type 4. Last evaluated: 2020-12-29. Review status: criteria provided, single submitter. Criteria: Invitae Variant Classification Sherloc (09022015). Collection method: clinical testing. Allele origin: germline.
Comment: In summary, the currently available evidence indicates that the variant is pathogenic, but additional data are needed to prove that conclusively. Therefore, this variant has been classified as Likely Pathogenic. Algorithms developed to predict the effect of sequence changes on RNA splicing suggest that this variant may disrupt the consensus splice site, but this prediction has not been confirmed by published transcriptional studies. This variant has not been reported in the literature in individuals with SH3TC2-related conditions. This variant is not present in population databases (ExAC no frequency). This sequence change affects a donor splice site in intron 15 of the SH3TC2 gene. It is expected to disrupt RNA splicing. Variants that disrupt the donor or acceptor splice site typically lead to a loss of protein function (PMID: 16199547), and loss-of-function variants in SH3TC2 are known to be pathogenic (PMID: 20220177, 27068304).

Literature cited by the submitters: PubMed 16199547; PubMed 20220177; PubMed 27068304.

NM_024577.4(SH3TC2):c.3478+2T>G

Gene: SH3TC2 (SH3 domain and tetratricopeptide repeats 2; minus strand). Cytogenetic location: 5q32.
Variant type: single nucleotide variant.
Coding change: c.3478+2T>G on transcript NM_024577.4 (MANE Select); the canonical splice donor site of the intron after coding-DNA position 3478, T replaced by G.
Molecular consequence: splice donor variant.
Genome position (GRCh38, 1-based): chr5:149,008,849, A>C on the plus strand (T>G on the coding strand, the complement: SH3TC2 is on the minus strand). VCF-style: chr5-149008849-A-C. GRCh37 (hg19) VCF-style: chr5-148388412-A-C.
Identifiers: ClinVar variation 1516678 (VCV001516678.8), dbSNP rs2127392445, ClinGen allele CA361664439.